The following is an entry in ClinVar:

NM_153240.5(NPHP3):c.684A>G (p.Gln228=)

Genes: NPHP3 (nephrocystin 3; minus strand), NPHP3-ACAD11 (NPHP3-ACAD11 readthrough (NMD candidate); minus strand). Cytogenetic location: 3q22.1.
Variant type: single nucleotide variant.
Coding change: c.684A>G on transcript NM_153240.5 (MANE Select); coding-DNA position 684, A replaced by G.
Protein change: p.Gln228=; no amino-acid change (glutamine 228 retained).
Molecular consequence: synonymous variant. On other transcripts: non-coding transcript variant (1).
Genome position (GRCh38, 1-based): chr3:132,716,896, T>C on the plus strand (A>G on the coding strand, the complement: NPHP3 is on the minus strand). VCF-style: chr3-132716896-T-C. GRCh37 (hg19) VCF-style: chr3-132435740-T-C.
Identifiers: ClinVar variation 705159 (VCV000705159.13), dbSNP rs1369748544, ClinGen allele CA435801261.

ClinVar aggregate classification (germline): Likely benign. Review status: criteria provided, multiple submitters, no conflicts (2 of 4 stars). 4 submissions from 4 submitters: Likely benign (3). 1 of the submissions does not count toward it. Last evaluated 2025-05-05.

Conditions:
Nephronophthisis. Also called: Juvenile Nephronophthisis. Identifiers: Orphanet 655, MedGen C0687120, MONDO:0019005, HP:0000090.
Renal-hepatic-pancreatic dysplasia 1 (RHPD1). Identifiers: MedGen C3715199, MONDO:0008833, OMIM 208540.
Nephronophthisis 3 (NPHP3). Also called: Adolescent nephronophthisis. Identifiers: Orphanet 655, MedGen C1858392, MONDO:0011456, OMIM 604387.
NPHP3-related Meckel-like syndrome. Also called: GOLDSTON SYNDROME; Meckel syndrome type 7. Identifiers: Orphanet 3032, MedGen C2673885, MONDO:0009966, OMIM 267010.
NPHP3-related disorder. Also called: NPHP3-related condition; NPHP3-related disorders. Identifiers: MedGen CN379163.

Allele frequency attached by ClinVar (database versions not stated): gnomAD 0.00001; gnomAD exomes 0.00001; TOPMed 0.00002.
gnomAD v4.1: 15 of 1,613,898 alleles (0.00093%); highest among the groups gnomAD compares: Middle Eastern, 0.016%; no homozygotes.

Submissions (4):

Labcorp Genetics (formerly Invitae), Labcorp
Classification: Likely benign for Nephronophthisis. Last evaluated: 2025-05-05. Review status: criteria provided, single submitter. Criteria: Invitae Variant Classification Sherloc (09022015). Collection method: clinical testing. Allele origin: germline.

Blueprint Genetics
Classification: Likely benign. Last evaluated: 2023-12-15. Review status: criteria provided, single submitter. Criteria: ACMG Guidelines, 2015. Collection method: clinical testing. Allele origin: germline.

Fulgent Genetics
Classification: Likely benign for Renal-hepatic-pancreatic dysplasia 1; NPHP3-related Meckel-like syndrome; Nephronophthisis 3. Last evaluated: 2021-11-09. Review status: criteria provided, single submitter. Criteria: ACMG Guidelines, 2015. Collection method: clinical testing. Allele origin: unknown.

PreventionGenetics, part of Exact Sciences
Classification: Likely benign for NPHP3-related condition. Last evaluated: 2021-07-09. Review status: no assertion criteria provided. Collection method: clinical testing. Allele origin: germline. Not counted in ClinVar's aggregate classification.
Comment: This variant is classified as likely benign based on ACMG/AMP sequence variant interpretation guidelines (Richards et al. 2015 PMID: 25741868, with internal and published modifications).